The following is an entry in ClinVar:

NM_003931.3(WASF1):c.1466C>G (p.Ser489Ter)

Gene: WASF1 (WASP family member 1; minus strand). Cytogenetic location: 6q21.
Variant type: single nucleotide variant.
Coding change: c.1466C>G on transcript NM_003931.3 (MANE Select); coding-DNA position 1466, C replaced by G.
Protein change: p.Ser489Ter; replaces serine 489 with a stop codon.
Molecular consequence: nonsense.
Genome position (GRCh38, 1-based): chr6:110,101,644, G>C on the plus strand (C>G on the coding strand, the complement: WASF1 is on the minus strand). VCF-style: chr6-110101644-G-C. GRCh37 (hg19) VCF-style: chr6-110422847-G-C.
Other names: c.1466C>G, p.Ser489Ter (NM_001024934.2, NM_001024935.2, NM_001024936.2); short protein forms S489*.
Identifiers: ClinVar variation 1342385 (VCV001342385.1), dbSNP rs2114445929, ClinGen allele CA365347258.

ClinVar aggregate classification (germline): Likely pathogenic (1 of 4 stars; one submission).

Conditions:
Neurodevelopmental disorder with absent language and variable seizures. Also called: ITO-RAYMOND SYNDROME. Identifiers: MedGen C5231469, MONDO:0032876, OMIM 618707.

Submission:

New York Genome Center
Classification: Likely pathogenic for Neurodevelopmental disorder with absent language and variable seizures. Last evaluated: 2021-03-05. Review status: criteria provided, single submitter. Criteria: NYGC Assertion Criteria 2020. Collection method: clinical testing. Allele origin: de novo. Observed: 1 heterozygote. Study: CSER-NYCKidSeq.
Comment: The de novo c.1466C>G (p.Ser489Ter) variant identified in the WASF1 gene is a single nucleotide variant leading to the premature termination of the protein at amino acid 489/560 (exon 9/10). This variant is absent from gnomAD(v3.1) suggesting it is not a common benign variant in the populations represented in that database. This variant is absent from ClinVar, and to our current knowledge has not been reported in the literature, although several nonsense and frameshift variants downstream of the one identified here have been reported in affected individuals [PMID:29961568]. Given its deleterious nature, absence in population databases, and presence de novo, the c.1466C>G (p.Ser489Ter) variant identified in the WASF1 gene is reported as Likely Pathogenic.